The following is an entry in ClinVar:

ClinVar aggregate classification (germline): Uncertain significance (1 of 4 stars; one submission).

Conditions:
Hereditary cancer-predisposing syndrome. Also called: Hereditary neoplastic syndrome; Hereditary Cancer Syndrome; Neoplastic Syndromes, Hereditary; Tumor predisposition. Identifiers: Orphanet 140162, MedGen C0027672, MeSH D009386, MONDO:0015356.

Submission:

Ambry Genetics
Classification: Uncertain significance for Hereditary cancer-predisposing syndrome. Last evaluated: 2023-04-19. Review status: criteria provided, single submitter. Criteria: Ambry Variant Classification Scheme 2023. Collection method: clinical testing. Allele origin: germline.
Comment: The p.L473R variant (also known as c.1418T>G), located in coding exon 13 of the NF2 gene, results from a T to G substitution at nucleotide position 1418. The leucine at codon 473 is replaced by arginine, an amino acid with dissimilar properties. This amino acid position is conserved. In addition, this alteration is predicted to be deleterious by in silico analysis. Since supporting evidence is limited at this time, the clinical significance of this alteration remains unclear.

NM_000268.4(NF2):c.1418T>G (p.Leu473Arg)

Gene: NF2 (NF2, moesin-ezrin-radixin like (MERLIN) tumor suppressor; plus strand). Cytogenetic location: 22q12.2.
Variant type: single nucleotide variant.
Coding change: c.1418T>G on transcript NM_000268.4 (MANE Select); coding-DNA position 1418, T replaced by G.
Protein change: p.Leu473Arg; replaces leucine 473 with arginine.
Molecular consequence: missense variant. On other transcripts: non-coding transcript variant (1), intron variant (1).
Genome position (GRCh38, 1-based): chr22:29,674,913, T>G. VCF-style: chr22-29674913-T-G. GRCh37 (hg19) VCF-style: chr22-30070902-T-G.
Other names: c.1304T>G, p.Leu435Arg (NM_001407053.1, NM_001407056.1); c.1295T>G, p.Leu432Arg (NM_001407054.1, NM_001407058.1, NM_181829.3); c.1292T>G, p.Leu431Arg (NM_001407055.1, NM_181828.3); c.1283T>G, p.Leu428Arg (NM_001407057.1, NM_001407059.1); c.1418T>G, p.Leu473Arg (NM_001407060.1, NM_001407066.1, NM_016418.5 and 2 more transcripts); c.1160T>G, p.Leu387Arg (NM_001407062.1); c.1169T>G, p.Leu390Arg (NM_001407063.1, NM_001407064.1, NM_181830.3 and 1 more transcripts); c.884T>G, p.Leu295Arg (NM_001407065.1); and 2 more; short protein forms L295R, L396R, L428R, L435R, L387R, L390R, L431R, L432R.
Identifiers: ClinVar variation 2568061 (VCV002568061.2), dbSNP rs2518693715, ClinGen allele CA411149140.
Genomic context (GRCh38, chr22:29,674,913, plus strand): 5'-AGCTGAAGCAGGACCTGCAGGAAGCACGCGAGGCGGAGCGAAGAGCCAAGCAGAAGCTCC[T>G]GGAGATTGCCACCAAGCCCACGTACCCGGTGAGCCTGGGGGCCACCAGCTGGGGCTGCCT-3'
Protein context (NP_000259.1, residues 463-483): EAERRAKQKL[Leu473Arg]EIATKPTYPP